The following is an entry in ClinVar:

NM_022817.3(PER2):c.3699C>T (p.Ser1233=)

Genes: PER2 (period circadian regulator 2; minus strand), LOC126806575 (BRD4-independent group 4 enhancer GRCh37_chr2:239154789-239155988; plus strand). Cytogenetic location: 2q37.3.
Variant type: single nucleotide variant.
Coding change: c.3699C>T on transcript NM_022817.3 (MANE Select); coding-DNA position 3699, C replaced by T.
Protein change: p.Ser1233=; no amino-acid change (serine 1233 retained).
Molecular consequence: synonymous variant.
Genome position (GRCh38, 1-based): chr2:238,246,444, G>A on the plus strand (C>T on the coding strand, the complement: PER2 is on the minus strand). VCF-style: chr2-238246444-G-A. GRCh37 (hg19) VCF-style: chr2-239155085-G-A.
Identifiers: ClinVar variation 3034370 (VCV003034370.2), dbSNP rs781757018, ClinGen allele CA2196703.

ClinVar aggregate classification (germline): Likely benign (0 of 4 stars; one submission).

Conditions:
PER2-related disorder. Also called: PER2-related condition.

Allele frequency attached by ClinVar (database versions not stated): gnomAD 0.00001.
gnomAD v4.1: 24 of 1,606,092 alleles (0.0015%); highest among the groups gnomAD compares: Middle Eastern, 0.099%; no homozygotes.

Submission:

PreventionGenetics, part of Exact Sciences
Classification: Likely benign for PER2-related condition. Last evaluated: 2019-06-11. Review status: no assertion criteria provided. Collection method: clinical testing. Allele origin: germline.
Comment: This variant is classified as likely benign based on ACMG/AMP sequence variant interpretation guidelines (Richards et al. 2015 PMID: 25741868, with internal and published modifications).